The following is an entry in ClinVar:

NM_000273.3(GPR143):c.422C>G (p.Ala141Gly)

Gene: GPR143 (G protein-coupled receptor 143; minus strand). Cytogenetic location: Xp22.2.
Variant type: single nucleotide variant.
Coding change: c.422C>G on transcript NM_000273.3 (MANE Select); coding-DNA position 422, C replaced by G.
Protein change: p.Ala141Gly; replaces alanine 141 with glycine.
Molecular consequence: missense variant.
Genome position (GRCh38, 1-based): chrX:9,759,365, G>C on the plus strand (C>G on the coding strand, the complement: GPR143 is on the minus strand). VCF-style: chrX-9759365-G-C. GRCh37 (hg19) VCF-style: chrX-9727405-G-C.
Other names: short protein forms A141G.
Identifiers: ClinVar variation 2764702 (VCV002764702.3), dbSNP rs2518637085, ClinGen allele CA411998866.

ClinVar aggregate classification (germline): Uncertain significance (1 of 4 stars; one submission).

Submission:

Labcorp Genetics (formerly Invitae), Labcorp
Classification: Uncertain significance. Last evaluated: 2023-05-23. Review status: criteria provided, single submitter. Criteria: Invitae Variant Classification Sherloc (09022015). Collection method: clinical testing. Allele origin: germline.
Comment: In summary, the available evidence is currently insufficient to determine the role of this variant in disease. Therefore, it has been classified as a Variant of Uncertain Significance. Advanced modeling of protein sequence and biophysical properties (such as structural, functional, and spatial information, amino acid conservation, physicochemical variation, residue mobility, and thermodynamic stability) performed at Invitae indicates that this missense variant is expected to disrupt GPR143 protein function. This variant has not been reported in the literature in individuals affected with GPR143-related conditions. This variant is not present in population databases (gnomAD no frequency). This sequence change replaces alanine, which is neutral and non-polar, with glycine, which is neutral and non-polar, at codon 141 of the GPR143 protein (p.Ala141Gly).